The following is an entry in ClinVar:

NM_000441.2(SLC26A4):c.1615-2A>G

Gene: SLC26A4 (solute carrier family 26 member 4; plus strand). Cytogenetic location: 7q22.3.
Variant type: single nucleotide variant.
Coding change: c.1615-2A>G on transcript NM_000441.2 (MANE Select); the canonical splice acceptor site of the intron before coding-DNA position 1615, A replaced by G.
Molecular consequence: splice acceptor variant.
Genome position (GRCh38, 1-based): chr7:107,700,081, A>G. VCF-style: chr7-107700081-A-G. GRCh37 (hg19) VCF-style: chr7-107340526-A-G.
Identifiers: ClinVar variation 1033029 (VCV001033029.20), dbSNP rs758823761, ClinGen allele CA4432897.

ClinVar aggregate classification (germline): Pathogenic/Likely pathogenic. Review status: criteria provided, multiple submitters, no conflicts (2 of 4 stars). 7 submissions from 7 submitters: Pathogenic (6); Likely pathogenic (1). Last evaluated 2026-01-13.

Conditions:
Autosomal recessive nonsyndromic hearing loss 4 (DFNB4). Also called: Deafness, autosomal recessive 4; FOXI1-Related Pendred Syndrome; KCNJ10-Related Pendred Syndrome; NEUROSENSORY NONSYNDROMIC RECESSIVE DEAFNESS 4; Enlarged vestibular aqueduct, digenic; DEAFNESS, AUTOSOMAL RECESSIVE 4, WITH ENLARGED VESTIBULAR AQUEDUCT, DIGENIC. Identifiers: Orphanet 90636, MedGen C3538946, MONDO:0010933, OMIM 600791.
Pendred syndrome (PDS). Also called: Pendred's syndrome; THYROID DYSHORMONOGENESIS 2B; THYROID HORMONOGENESIS, GENETIC DEFECT IN, 2B; Pendred Syndrome (PDS); DEAFNESS WITH GOITER; GOITER-DEAFNESS SYNDROME. Identifiers: Orphanet 705, MedGen C0271829, MONDO:0010134, OMIM 274600.

Allele frequency attached by ClinVar (database versions not stated): gnomAD exomes below 0.00001; TOPMed below 0.00001; ExAC 0.00001; gnomAD 0.00001.
gnomAD v4.1: 4 of 1,485,960 alleles (0.00027%); highest among the groups gnomAD compares: Admixed American, 0.0017%; no homozygotes.

Submissions (7):

Labcorp Genetics (formerly Invitae), Labcorp
Classification: Pathogenic. Last evaluated: 2026-01-13. Review status: criteria provided, single submitter. Criteria: Invitae Variant Classification Sherloc (09022015). Collection method: clinical testing. Allele origin: germline.
Comment: This sequence change affects an acceptor splice site in intron 14 of the SLC26A4 gene. It is expected to disrupt RNA splicing. Variants that disrupt the donor or acceptor splice site typically lead to a loss of protein function (PMID: 16199547), and loss-of-function variants in SLC26A4 are known to be pathogenic (PMID: 16283880, 25394566, 26252218, 26445815). This variant is present in population databases (rs758823761, gnomAD 0.0009%). Disruption of this splice site has been observed in individuals with Pendred syndrome (PMID: 21416585, 24224479). It has also been observed to segregate with disease in related individuals. This variant is also known as IVS14-2A>G. ClinVar contains an entry for this variant (Variation ID: 1033029). Algorithms developed to predict the effect of sequence changes on RNA splicing suggest that this variant may disrupt the consensus splice site. For these reasons, this variant has been classified as Pathogenic.

GeneDx
Classification: Pathogenic. Last evaluated: 2025-09-10. Review status: criteria provided, single submitter. Criteria: GeneDx Variant Classification Process June 2021. Collection method: clinical testing. Allele origin: germline. Affected: yes.
Comment: Canonical splice site variant predicted to result in an in-frame loss of the adjacent exon in a gene for which loss of function is a known mechanism of disease; Not observed at significant frequency in large population cohorts (gnomAD); This variant is associated with the following publications: (PMID: 25525159, 32444101, 24224479, 21704276, 25394566, 35580552, 34599368, 21416585)

Natera, Inc.
Classification: Pathogenic for Pendred syndrome. Last evaluated: 2025-06-17. Review status: criteria provided, single submitter. Criteria: Natera Variant Classification Schema (03/2026). Collection method: clinical testing. Allele origin: germline.
Comment: The c.1615-2A>G variant in SLC26A4 is a canonical splice acceptor site variant predicted to affect pre-mRNA splicing, which may result in an abnormal transcript and altered protein product. This variant is expected to result in nonsense mediated decay, truncation, or a dysfunctional protein product. This variant is rare in the general population with a frequency below the threshold expected for the associated phenotype(s). This variant has been observed in one or more individuals affected with the associated recessive disease, as either homozygous or compound heterozygous with a second variant (PMID: 21416585, 24224479). Given the available evidence, this variant is classified as Pathogenic.

Baylor Genetics
Classification: Pathogenic for Autosomal recessive nonsyndromic hearing loss 4. Last evaluated: 2023-12-04. Review status: criteria provided, single submitter. Criteria: ACMG Guidelines, 2015. Collection method: clinical testing. Allele origin: unknown.

Mayo Clinic Laboratories, Mayo Clinic
Classification: Pathogenic. Last evaluated: 2022-05-10. Review status: criteria provided, single submitter. Criteria: ACMG Guidelines, 2015. Collection method: clinical testing. Allele origin: germline. Observed: 1 variant allele.
Comment: PP1, PP3, PM2, PM3_strong, PVS1_moderate

Genome-Nilou Lab
Classification: Pathogenic for Autosomal recessive nonsyndromic hearing loss 4. Last evaluated: 2021-09-05. Review status: criteria provided, single submitter. Criteria: ACMG Guidelines, 2015. Collection method: clinical testing. Allele origin: germline. Affected: no.

Laboratory of Molecular, Cellular and Translation Genetics in Otolaryngology/ Lim32-hcfmusp, University of Sao Paulo School of Medicine Clinics Hospital
Classification: Likely pathogenic for Autosomal recessive nonsyndromic hearing loss 4. Review status: criteria provided, single submitter. Criteria: ClinGen HL ACMG Specifications v1. Collection method: research. Allele origin: germline. Inheritance: Autosomal recessive inheritance. Affected: yes. Observed: 1 variant allele, 1 compound heterozygote. Segregation with disease observed.

Literature cited by the submitters: PubMed 16199547 (cited by Labcorp Genetics (formerly Invitae), Labcorp); PubMed 16283880 (cited by Labcorp Genetics (formerly Invitae), Labcorp); PubMed 25394566 (cited by Labcorp Genetics (formerly Invitae), Labcorp); PubMed 26252218 (cited by Labcorp Genetics (formerly Invitae), Labcorp); PubMed 26445815 (cited by Labcorp Genetics (formerly Invitae), Labcorp); PubMed 21416585 (cited by Labcorp Genetics (formerly Invitae), Labcorp and Natera, Inc.); PubMed 24224479 (cited by Labcorp Genetics (formerly Invitae), Labcorp and Natera, Inc.); PubMed 34599368 (cited by Laboratory of Molecular, Cellular and Translation Genetics in Otolaryngology/ Lim32-hcfmusp, University of Sao Paulo School of Medicine Clinics Hospital).